The following is an entry in ClinVar:

NM_000719.7(CACNA1C):c.2180T>G (p.Met727Arg)

Gene: CACNA1C (calcium voltage-gated channel subunit alpha1 C; plus strand). Cytogenetic location: 12p13.33.
Variant type: single nucleotide variant.
Coding change: c.2180T>G on transcript NM_000719.7 (MANE Select); coding-DNA position 2180, T replaced by G.
Protein change: p.Met727Arg; replaces methionine 727 with arginine.
Molecular consequence: missense variant.
Genome position (GRCh38, 1-based): chr12:2,582,898, T>G. VCF-style: chr12-2582898-T-G. GRCh37 (hg19) VCF-style: chr12-2692064-T-G.
Other names: c.2180T>G, p.Met727Arg (NM_001129827.2, NM_001129829.2, NM_001129830.3 and 18 more transcripts); c.2171T>G, p.Met724Arg (NM_001129844.2); short protein forms M724R, M727R.
Identifiers: ClinVar variation 3364768 (VCV003364768.1).

ClinVar aggregate classification (germline): Uncertain significance (1 of 4 stars; one submission).

Submission:

GeneDx
Classification: Uncertain significance. Last evaluated: 2023-11-21. Review status: criteria provided, single submitter. Criteria: GeneDx Variant Classification Process June 2021. Collection method: clinical testing. Allele origin: germline. Affected: yes.
Comment: Not observed at significant frequency in large population cohorts (gnomAD); In silico analysis supports that this missense variant has a deleterious effect on protein structure/function; In silico analysis supports a deleterious effect on splicing; Has not been previously published as pathogenic or benign to our knowledge